The following is an entry in ClinVar:

NM_032737.4(LMNB2):c.1247G>A (p.Arg416Gln)

Gene: LMNB2 (lamin B2; minus strand). Cytogenetic location: 19p13.3.
Variant type: single nucleotide variant.
Coding change: c.1247G>A on transcript NM_032737.4 (MANE Select); coding-DNA position 1247, G replaced by A.
Protein change: p.Arg416Gln; replaces arginine 416 with glutamine.
Molecular consequence: missense variant.
Genome position (GRCh38, 1-based): chr19:2,434,061, C>T on the plus strand (G>A on the coding strand, the complement: LMNB2 is on the minus strand). VCF-style: chr19-2434061-C-T. GRCh37 (hg19) VCF-style: chr19-2434059-C-T.
Other names: short protein forms R416Q.
Identifiers: ClinVar variation 1035466 (VCV001035466.8), dbSNP rs200293412, ClinGen allele CA9067558.

ClinVar aggregate classification (germline): Uncertain significance (1 of 4 stars; one submission).

Conditions:
Progressive myoclonic epilepsy type 9. Identifiers: Orphanet 457265, MedGen C4225289, MONDO:0014685, OMIM 616540.
Lipodystrophy, partial, acquired, susceptibility to (APLD). Also called: APLD, SUSCEPTIBILITY TO. Identifiers: MedGen C3887501, MONDO:0100476, OMIM 608709.

Allele frequency attached by ClinVar (database versions not stated): TOPMed 0.00005.
gnomAD v4.1: 12 of 1,598,846 alleles (0.00075%); highest among the groups gnomAD compares: South Asian, 0.0033%; no homozygotes.

Submission:

Labcorp Genetics (formerly Invitae), Labcorp
Classification: Uncertain significance for Progressive myoclonic epilepsy type 9; Lipodystrophy, partial, acquired, susceptibility to. Last evaluated: 2020-05-12. Review status: criteria provided, single submitter. Criteria: Invitae Variant Classification Sherloc (09022015). Collection method: clinical testing. Allele origin: germline.
Comment: In summary, the available evidence is currently insufficient to determine the role of this variant in disease. Therefore, it has been classified as a Variant of Uncertain Significance. Algorithms developed to predict the effect of missense changes on protein structure and function (SIFT, PolyPhen-2, Align-GVGD) all suggest that this variant is likely to be tolerated, but these predictions have not been confirmed by published functional studies and their clinical significance is uncertain. This variant has not been reported in the literature in individuals with LMNB2-related conditions. This variant is present in population databases (rs200293412, ExAC 0.008%). This sequence change replaces arginine with glutamine at codon 416 of the LMNB2 protein (p.Arg416Gln). The arginine residue is highly conserved and there is a small physicochemical difference between arginine and glutamine.